The following is an entry in ClinVar:

NM_001042492.3(NF1):c.7280A>G (p.Asp2427Gly)

Gene: NF1 (neurofibromin 1; plus strand). Cytogenetic location: 17q11.2.
Variant type: single nucleotide variant.
Coding change: c.7280A>G on transcript NM_001042492.3 (MANE Select); coding-DNA position 7280, A replaced by G.
Protein change: p.Asp2427Gly; replaces aspartic acid 2427 with glycine.
Molecular consequence: missense variant.
Genome position (GRCh38, 1-based): chr17:31,349,210, A>G. VCF-style: chr17-31349210-A-G. GRCh37 (hg19) VCF-style: chr17-29676228-A-G.
Other names: c.7217A>G, p.Asp2406Gly (NM_000267.4); short protein forms D2406G, D2427G.
Identifiers: ClinVar variation 1320854 (VCV001320854.2), dbSNP rs1359563939, ClinGen allele CA399016839.
Genomic context (GRCh38, chr17:31,349,210, plus strand): 5'-CAAGAACAGTCAGAATTTTACATACACTACTAACTCTGGTTAACAAACACAGAAATTGTG[A>G]CAAATTTGAAGTGAATACACAGAGCGTGGCCTACTTAGCAGGTAAAAACACAAAATAAAC-3'
Protein context (NP_001035957.1, residues 2417-2437): LTLVNKHRNC[Asp2427Gly]KFEVNTQSVA

ClinVar aggregate classification (germline): Uncertain significance (1 of 4 stars; one submission).

Allele frequency attached by ClinVar (database versions not stated): gnomAD 0.00001.
gnomAD v4.1: 1 of 1,613,510 alleles (0.000062%); highest among the groups gnomAD compares: African/African-American, 0.0013%; no homozygotes.

Submission:

GeneDx
Classification: Uncertain significance. Last evaluated: 2019-07-02. Review status: criteria provided, single submitter. Criteria: GeneDx Variant Classification Process June 2021. Collection method: clinical testing. Allele origin: germline. Affected: yes.
Comment: In silico analysis, which includes protein predictors and evolutionary conservation, supports a deleterious effect; Has not been previously published as pathogenic or benign to our knowledge